The following is an entry in ClinVar:

ClinVar aggregate classification (germline): Uncertain significance (1 of 4 stars; one submission).

Submission:

Labcorp Genetics (formerly Invitae), Labcorp
Classification: Uncertain significance. Last evaluated: 2024-05-12. Review status: criteria provided, single submitter. Criteria: Invitae Variant Classification Sherloc (09022015). Collection method: clinical testing. Allele origin: germline.
Comment: This sequence change replaces glutamic acid, which is acidic and polar, with glycine, which is neutral and non-polar, at codon 1065 of the ALPK3 protein (p.Glu1065Gly). This variant is not present in population databases (gnomAD no frequency). This variant has not been reported in the literature in individuals affected with ALPK3-related conditions. Algorithms developed to predict the effect of missense changes on protein structure and function output the following: SIFT: "Not Available"; PolyPhen-2: "Benign"; Align-GVGD: "Not Available". The glycine amino acid residue is found in multiple mammalian species, which suggests that this missense change does not adversely affect protein function. In summary, the available evidence is currently insufficient to determine the role of this variant in disease. Therefore, it has been classified as a Variant of Uncertain Significance.

NM_020778.5(ALPK3):c.2588A>G (p.Glu863Gly)

Gene: ALPK3 (alpha kinase 3; plus strand). Cytogenetic location: 15q25.3.
Variant type: single nucleotide variant.
Coding change: c.2588A>G on transcript NM_020778.5 (MANE Select); coding-DNA position 2588, A replaced by G.
Protein change: p.Glu863Gly; replaces glutamic acid 863 with glycine.
Molecular consequence: missense variant.
Genome position (GRCh38, 1-based): chr15:84,857,326, A>G. VCF-style: chr15-84857326-A-G. GRCh37 (hg19) VCF-style: chr15-85400557-A-G.
Other names: short protein forms E863G.
Identifiers: ClinVar variation 3639956 (VCV003639956.2).